The following is an entry in ClinVar:

NM_000018.4(ACADVL):c.636C>T (p.Ala212=)

Gene: ACADVL (acyl-CoA dehydrogenase very long chain; plus strand). Cytogenetic location: 17p13.1.
Variant type: single nucleotide variant.
Coding change: c.636C>T on transcript NM_000018.4 (MANE Select); coding-DNA position 636, C replaced by T.
Protein change: p.Ala212=; no amino-acid change (alanine 212 retained).
Molecular consequence: synonymous variant.
Genome position (GRCh38, 1-based): chr17:7,221,965, C>T. VCF-style: chr17-7221965-C-T. GRCh37 (hg19) VCF-style: chr17-7125284-C-T.
Other names: NM_000018.4(ACADVL):c.636C>T; p.Ala212=; c.570C>T, p.Ala190= (NM_001033859.3); c.705C>T, p.Ala235= (NM_001270447.2); c.408C>T, p.Ala136= (NM_001270448.2).
Identifiers: ClinVar variation 324988 (VCV000324988.32), dbSNP rs76547988, ClinGen allele CA8337799.

ClinVar aggregate classification (germline): Benign. Review status: reviewed by expert panel (3 of 4 stars). 10 submissions from 10 submitters: Benign (1). 9 of the submissions do not count toward it. Last evaluated 2022-03-06.

Conditions:
Very long chain acyl-CoA dehydrogenase deficiency (ACADVLD). Also called: VLCAD Deficiency; Very Long-Chain Acyl-Coenzyme A Dehydrogenase Deficiency. Identifiers: Orphanet 26793, MedGen C3887523, MONDO:0008723, OMIM 201475.
Inborn genetic diseases. Identifiers: MedGen C0950123, MeSH D030342.

Allele frequency attached by ClinVar (database versions not stated): gnomAD exomes 0.00061 and 0.00144; ExAC 0.00182; gnomAD 0.00527 and 0.00560; ESP Exome Variant Server 0.00561; TOPMed 0.00576; 1000 Genomes Project 0.00679; 1000 Genomes Project 30x 0.00765.
gnomAD v4.1: 1,729 of 1,614,088 alleles (0.11%); highest among the groups gnomAD compares: African/African-American, 1.8%; 16 homozygotes.

Submissions (10):

ClinGen ACADVL Variant Curation Expert Panel, ClinGen
Classification: Benign for Very long chain acyl-CoA dehydrogenase deficiency. Last evaluated: 2022-03-06. Review status: reviewed by expert panel. Criteria: clingen acadvl acmg specifications v1. Collection method: curation. Allele origin: germline.
Comment: The c.636C>T (p.Ala212=) variant is a synonymous (silent) variant that is not predicted by Splice AI to impact splicing. In addition, it occurs at a nucleotide that is not conserved as shown by PhyloP (BP7). The highest population minor allele frequency in gnomAD 3.1.2 is 0.01799 in the African/African American population, which is higher than the ClinGen ACADVL Variant Curation Expert Panel threshold (≥0.007) for BA1. To our knowledge, this variant is not in the literature in a proband with VLCAD or ACADVL associated disease or in functional studies. In summary, this variant meets the criteria to be classified as benign for autosomal recessive very long chain acyl-CoA dehydrogenase (VLCAD) deficiency based on the ACMG/AMP criteria applied, as specified by the ClinGen ACADVL Variant Curation Expert Panel: BA1, BP7.

Labcorp Genetics (formerly Invitae), Labcorp
Classification: Benign for Very long chain acyl-CoA dehydrogenase deficiency. Last evaluated: 2026-02-04. Review status: criteria provided, single submitter. Criteria: Invitae Variant Classification Sherloc (09022015). Collection method: clinical testing. Allele origin: germline. Not counted in ClinVar's aggregate classification.

Mayo Clinic Laboratories, Mayo Clinic
Classification: Benign. Last evaluated: 2025-08-15. Review status: criteria provided, single submitter. Criteria: ACMG Guidelines, 2015. Collection method: clinical testing. Allele origin: germline. Observed: 13 variant alleles. Not counted in ClinVar's aggregate classification.
Comment: BA1, BP4, BP7

Ambry Genetics
Classification: Likely benign for Inborn genetic diseases. Last evaluated: 2022-07-14. Review status: criteria provided, single submitter. Criteria: Ambry Variant Classification Scheme 2023. Collection method: clinical testing. Allele origin: germline. Not counted in ClinVar's aggregate classification.

ARUP Laboratories, Molecular Genetics and Genomics, ARUP Laboratories
Classification: Benign for Very long chain acyl-CoA dehydrogenase deficiency. Last evaluated: 2021-09-03. Review status: criteria provided, single submitter. Criteria: ARUP Molecular Germline Variant Investigation Process 2021. Collection method: clinical testing. Allele origin: germline. Not counted in ClinVar's aggregate classification.

Illumina Laboratory Services, Illumina
Classification: Likely benign for Very long chain acyl-CoA dehydrogenase deficiency. Last evaluated: 2018-01-13. Review status: criteria provided, single submitter. Criteria: ICSL Variant Classification Criteria 13 December 2019. Collection method: clinical testing. Allele origin: germline. Not counted in ClinVar's aggregate classification.
Comment: This variant was observed in the ICSL laboratory as part of a predisposition screen in an ostensibly healthy population. It had not been previously curated by ICSL or reported in the Human Gene Mutation Database (HGMD: prior to June 1st, 2018), and was therefore a candidate for classification through an automated scoring system. Utilizing variant allele frequency, disease prevalence and penetrance estimates, and inheritance mode, an automated score was calculated to assess if this variant is too frequent to cause the disease. Based on the score and internal cut-off values, a variant classified as likely benign is not then subjected to further curation. The score for this variant resulted in a classification of likely benign for this disease.

Eurofins Ntd Llc (ga)
Classification: Benign. Last evaluated: 2017-08-17. Review status: criteria provided, single submitter. Criteria: EGL Classification Definitions 2015. Collection method: clinical testing. Allele origin: germline. Observed: 3 variant alleles, 3 heterozygotes. Not counted in ClinVar's aggregate classification.

GeneDx
Classification: Benign. Last evaluated: 2016-09-15. Review status: criteria provided, single submitter. Criteria: GeneDx Variant Classification (06012015). Collection method: clinical testing. Allele origin: germline. Affected: yes. Not counted in ClinVar's aggregate classification.
Comment: This variant is considered likely benign or benign based on one or more of the following criteria: it is a conservative change, it occurs at a poorly conserved position in the protein, it is predicted to be benign by multiple in silico algorithms, and/or has population frequency not consistent with disease.

Breakthrough Genomics
Classification: Likely benign. Review status: criteria provided, single submitter. Criteria: ACMG Guidelines, 2015. Collection method: not provided. Allele origin: germline. Inheritance: Autosomal recessive inheritance. Affected: yes. Not counted in ClinVar's aggregate classification.

Natera, Inc.
Classification: Benign for Very long chain acyl-CoA dehydrogenase deficiency. Last evaluated: 2020-09-16. Review status: no assertion criteria provided. Collection method: clinical testing. Allele origin: germline. Not counted in ClinVar's aggregate classification.